The following is an entry in ClinVar:

NM_000528.4(MAN2B1):c.50A>G (p.Asp17Gly)

Genes: MAN2B1 (mannosidase alpha class 2B member 1; minus strand), LOC130063650 (ATAC-STARR-seq lymphoblastoid silent region 10156; plus strand). Cytogenetic location: 19p13.13.
Variant type: single nucleotide variant.
Coding change: c.50A>G on transcript NM_000528.4 (MANE Select); coding-DNA position 50, A replaced by G.
Protein change: p.Asp17Gly; replaces aspartic acid 17 with glycine.
Molecular consequence: missense variant.
Genome position (GRCh38, 1-based): chr19:12,666,652, T>C on the plus strand (A>G on the coding strand, the complement: MAN2B1 is on the minus strand). VCF-style: chr19-12666652-T-C. GRCh37 (hg19) VCF-style: chr19-12777466-T-C.
Other names: c.50A>G (NM_000528.3); c.50A>G, p.Asp17Gly (NM_001173498.2); short protein forms D17G.
Identifiers: ClinVar variation 1371288 (VCV001371288.8), dbSNP rs755738320, ClinGen allele CA9226915.

ClinVar aggregate classification (germline): Uncertain significance. Review status: criteria provided, multiple submitters, no conflicts (2 of 4 stars). 2 submissions from 2 submitters: Uncertain significance (2). Last evaluated 2024-05-22.

Conditions:
Deficiency of alpha-mannosidase (MANSA). Also called: Mannosidosis, alpha-, types I and II; LYSOSOMAL ALPHA-D-MANNOSIDASE DEFICIENCY; Alpha-Mannosidosis. Identifiers: Orphanet 61, MedGen C0024748, MONDO:0009561, OMIM 248500.

Allele frequency attached by ClinVar (database versions not stated): TOPMed below 0.00001; gnomAD 0.00001; gnomAD exomes 0.00001.

Submissions (2):

Labcorp Genetics (formerly Invitae), Labcorp
Classification: Uncertain significance for Deficiency of alpha-mannosidase. Last evaluated: 2024-05-22. Review status: criteria provided, single submitter. Criteria: Invitae Variant Classification Sherloc (09022015). Collection method: clinical testing. Allele origin: germline.
Comment: This sequence change replaces aspartic acid, which is acidic and polar, with glycine, which is neutral and non-polar, at codon 17 of the MAN2B1 protein (p.Asp17Gly). This variant is present in population databases (rs755738320, gnomAD 0.001%). This variant has not been reported in the literature in individuals affected with MAN2B1-related conditions. ClinVar contains an entry for this variant (Variation ID: 1371288). Advanced modeling of protein sequence and biophysical properties (such as structural, functional, and spatial information, amino acid conservation, physicochemical variation, residue mobility, and thermodynamic stability) performed at Invitae indicates that this missense variant is not expected to disrupt MAN2B1 protein function with a negative predictive value of 95%. In summary, the available evidence is currently insufficient to determine the role of this variant in disease. Therefore, it has been classified as a Variant of Uncertain Significance.

GeneDx
Classification: Uncertain significance. Last evaluated: 2023-11-01. Review status: criteria provided, single submitter. Criteria: GeneDx Variant Classification Process June 2021. Collection method: clinical testing. Allele origin: germline. Affected: yes.
Comment: Not observed at significant frequency in large population cohorts (gnomAD); In silico analysis supports that this missense variant does not alter protein structure/function; Has not been previously published as pathogenic or benign to our knowledge